The following is an entry in ClinVar:

NM_006516.4(SLC2A1):c.982G>C (p.Val328Leu)

Gene: SLC2A1 (solute carrier family 2 member 1; minus strand). Cytogenetic location: 1p34.2.
Variant type: single nucleotide variant.
Coding change: c.982G>C on transcript NM_006516.4 (MANE Select); coding-DNA position 982, G replaced by C.
Protein change: p.Val328Leu; replaces valine 328 with leucine.
Molecular consequence: missense variant.
Genome position (GRCh38, 1-based): chr1:42,929,024, C>G on the plus strand (G>C on the coding strand, the complement: SLC2A1 is on the minus strand). VCF-style: chr1-42929024-C-G. GRCh37 (hg19) VCF-style: chr1-43394695-C-G.
Other names: short protein forms V328L.
Identifiers: ClinVar variation 1442999 (VCV001442999.8), dbSNP rs796053255, ClinGen allele CA339956114.

ClinVar aggregate classification (germline): Pathogenic (1 of 4 stars; one submission).

Conditions:
GLUT1 deficiency syndrome 1, autosomal recessive. Identifiers: MedGen C3149117.

Submission:

Labcorp Genetics (formerly Invitae), Labcorp
Classification: Pathogenic for GLUT1 deficiency syndrome 1, autosomal recessive. Last evaluated: 2024-06-04. Review status: criteria provided, single submitter. Criteria: Invitae Variant Classification Sherloc (09022015). Collection method: clinical testing. Allele origin: germline.
Comment: This sequence change replaces valine, which is neutral and non-polar, with leucine, which is neutral and non-polar, at codon 328 of the SLC2A1 protein (p.Val328Leu). This variant is not present in population databases (gnomAD no frequency). This missense change has been observed in individual(s) with GLUT1-deficiency (PMID: 28556183; Invitae). In at least one individual the variant was observed to be de novo. ClinVar contains an entry for this variant (Variation ID: 1442999). Advanced modeling of protein sequence and biophysical properties (such as structural, functional, and spatial information, amino acid conservation, physicochemical variation, residue mobility, and thermodynamic stability) performed at Invitae indicates that this missense variant is expected to disrupt SLC2A1 protein function with a positive predictive value of 95%. For these reasons, this variant has been classified as Pathogenic.

Literature cited by the submitters: PubMed 28556183.